The following is an entry in ClinVar:

NM_001349338.3(FOXP1):c.180+5T>A

Gene: FOXP1 (forkhead box P1; minus strand). Cytogenetic location: 3p13.
Variant type: single nucleotide variant.
Coding change: c.180+5T>A on transcript NM_001349338.3 (MANE Select); 5 bases into the intron after coding-DNA position 180, T replaced by A.
Molecular consequence: intron variant.
Genome position (GRCh38, 1-based): chr3:71,198,197, A>T on the plus strand (T>A on the coding strand, the complement: FOXP1 is on the minus strand). VCF-style: chr3-71198197-A-T. GRCh37 (hg19) VCF-style: chr3-71247348-A-T.
Other names: c.180+5T>A (NM_001244810.2, NM_032682.6, NM_001349340.3 and 6 more transcripts).
Identifiers: ClinVar variation 4771381 (VCV004771381.1).

ClinVar aggregate classification (germline): Uncertain significance (1 of 4 stars; one submission).

gnomAD v4.1: 3 of 1,614,010 alleles (0.00019%); highest among the groups gnomAD compares: African/African-American, 0.0027%; no homozygotes.

Submission:

Labcorp Genetics (formerly Invitae), Labcorp
Classification: Uncertain significance. Last evaluated: 2025-05-27. Review status: criteria provided, single submitter. Criteria: Invitae Variant Classification Sherloc (09022015). Collection method: clinical testing. Allele origin: germline.
Comment: This sequence change falls in intron 6 of the FOXP1 gene. It does not directly change the encoded amino acid sequence of the FOXP1 protein. It affects a nucleotide within the consensus splice site. This variant is present in population databases (rs753853097, gnomAD 0.01%). This variant has not been reported in the literature in individuals affected with FOXP1-related conditions. Variants that disrupt the consensus splice site are a relatively common cause of aberrant splicing (PMID: 17576681, 9536098). Algorithms developed to predict the effect of sequence changes on RNA splicing suggest that this variant is not likely to affect RNA splicing. In summary, the available evidence is currently insufficient to determine the role of this variant in disease. Therefore, it has been classified as a Variant of Uncertain Significance.

Literature cited by the submitters: PubMed 17576681; PubMed 9536098.